The following is an entry in ClinVar:

NM_022051.3(EGLN1):c.572T>C (p.Leu191Pro)

Gene: EGLN1 (egl-9 family hypoxia inducible factor 1; minus strand). Cytogenetic location: 1q42.2.
Variant type: single nucleotide variant.
Coding change: c.572T>C on transcript NM_022051.3 (MANE Select); coding-DNA position 572, T replaced by C.
Protein change: p.Leu191Pro; replaces leucine 191 with proline.
Molecular consequence: missense variant.
Genome position (GRCh38, 1-based): chr1:231,421,317, A>G on the plus strand (T>C on the coding strand, the complement: EGLN1 is on the minus strand). VCF-style: chr1-231421317-A-G. GRCh37 (hg19) VCF-style: chr1-231557063-A-G.
Other names: c.572T>C, p.Leu191Pro (NM_001377260.1, NM_001377261.1); short protein forms L191P.
Identifiers: ClinVar variation 4016823 (VCV004016823.1).

ClinVar aggregate classification (germline): Uncertain significance (1 of 4 stars; one submission).

gnomAD v4.1: 3 of 1,612,274 alleles (0.00019%); highest among the groups gnomAD compares: Non-Finnish European, 0.00025%; no homozygotes.

Submission:

Ambry Genetics
Classification: Uncertain significance. Last evaluated: 2025-04-09. Review status: criteria provided, single submitter. Criteria: Ambry Variant Classification Scheme 2023. Collection method: clinical testing. Allele origin: germline.
Comment: The p.L191P variant (also known as c.572T>C), located in coding exon 1 of the EGLN1 gene, results from a T to C substitution at nucleotide position 572. The leucine at codon 191 is replaced by proline, an amino acid with similar properties. This amino acid position is conserved. In addition, this alteration is predicted to be tolerated by in silico analysis. Based on the available evidence, the clinical significance of this variant remains unclear.